The following is an entry in ClinVar:

ClinVar aggregate classification (germline): Uncertain significance (1 of 4 stars; one submission).

Conditions:
Cardiomyopathy (CMYO). Also called: Cardiomyopathies. Identifiers: Orphanet 167848, MedGen C0878544, MONDO:0004994, HP:0001638. Inheritance: Various modes of inheritance.

Submission:

Color Diagnostics, LLC DBA Color Health
Classification: Uncertain significance for Cardiomyopathy. Last evaluated: 2025-05-30. Review status: criteria provided, single submitter. Criteria: ACMG Guidelines, 2015. Collection method: clinical testing. Allele origin: germline.
Comment: This missense variant replaces alanine with serine at codon 27 of the TNNT2 protein. Computational prediction is inconclusive regarding the impact of this variant on protein structure and function. To our knowledge, functional studies have not been reported for this variant. This variant has not been reported in individuals affected with TNNT2-related disorders in the literature. This variant has not been identified in the general population by the Genome Aggregation Database (gnomAD). The available evidence is insufficient to determine the role of this variant in disease conclusively. Therefore, this variant is classified as a Variant of Uncertain Significance.

NM_001276345.2(TNNT2):c.109G>T (p.Ala37Ser)

Gene: TNNT2 (troponin T2, cardiac type; minus strand). Cytogenetic location: 1q32.1.
Variant type: single nucleotide variant.
Coding change: c.109G>T on transcript NM_001276345.2 (MANE Select); coding-DNA position 109, G replaced by T.
Protein change: p.Ala37Ser; replaces alanine 37 with serine.
Molecular consequence: missense variant.
Genome position (GRCh38, 1-based): chr1:201,368,216, C>A on the plus strand (G>T on the coding strand, the complement: TNNT2 is on the minus strand). VCF-style: chr1-201368216-C-A. GRCh37 (hg19) VCF-style: chr1-201337344-C-A.
Other names: c.79G>T, p.Ala27Ser (NM_001001430.3, NM_001001431.3, NM_001276347.2 and 4 more transcripts); c.64G>T, p.Ala22Ser (NM_001001432.3, NM_001406728.1); c.109G>T, p.Ala37Ser (NM_001276346.2, NM_001406723.1, NM_000364.4); short protein forms A22S, A27S, A37S.
Identifiers: ClinVar variation 4758730 (VCV004758730.1).